The following is an entry in ClinVar:

NM_002834.5(PTPN11):c.1144G>T (p.Val382Phe)

Gene: PTPN11 (protein tyrosine phosphatase non-receptor type 11; plus strand). Cytogenetic location: 12q24.13.
Variant type: single nucleotide variant.
Coding change: c.1144G>T on transcript NM_002834.5 (MANE Select); coding-DNA position 1144, G replaced by T.
Protein change: p.Val382Phe; replaces valine 382 with phenylalanine.
Molecular consequence: missense variant.
Genome position (GRCh38, 1-based): chr12:112,482,125, G>T. VCF-style: chr12-112482125-G-T. GRCh37 (hg19) VCF-style: chr12-112919929-G-T.
Other names: c.1144G>T, p.Val382Phe (NM_080601.3, NM_001330437.2); c.1141G>T, p.Val381Phe (NM_001374625.1); short protein forms V381F, V382F.
Identifiers: ClinVar variation 4803092 (VCV004803092.2).

ClinVar aggregate classification (germline): Uncertain significance. Review status: criteria provided, multiple submitters, no conflicts (2 of 4 stars). 2 submissions from 2 submitters: Uncertain significance (2). Last evaluated 2026-07-21.

Conditions:
RASopathy. Also called: rasopathies; Noonan spectrum disorder. Identifiers: Orphanet 536391, MedGen C5555857, MONDO:0021060.
Cardiovascular phenotype. Identifiers: MedGen CN230736.

Submissions (2):

Ambry Genetics
Classification: Uncertain significance for Cardiovascular phenotype. Last evaluated: 2026-07-21. Review status: criteria provided, single submitter. Criteria: Ambry Variant Classification Scheme 2023. Collection method: clinical testing. Allele origin: germline.
Comment: The p.V382F variant (also known as c.1144G>T), located in coding exon 10 of the PTPN11 gene, results from a G to T substitution at nucleotide position 1144. The valine at codon 382 is replaced by phenylalanine, an amino acid with highly similar properties. This amino acid position is conserved. In addition, the in silico prediction for this alteration is inconclusive. Based on the available evidence, the clinical significance of this variant remains unclear.

Labcorp Genetics (formerly Invitae), Labcorp
Classification: Uncertain significance for RASopathy. Last evaluated: 2026-01-04. Review status: criteria provided, single submitter. Criteria: Invitae Variant Classification Sherloc (09022015). Collection method: clinical testing. Allele origin: germline.
Comment: This sequence change replaces valine, which is neutral and non-polar, with phenylalanine, which is neutral and non-polar, at codon 382 of the PTPN11 protein (p.Val382Phe). This variant is not present in population databases (gnomAD no frequency). This variant has not been reported in the literature in individuals affected with PTPN11-related conditions. Invitae Evidence Modeling of protein sequence and biophysical properties (such as structural, functional, and spatial information, amino acid conservation, physicochemical variation, residue mobility, and thermodynamic stability) indicates that this missense variant is not expected to disrupt PTPN11 protein function with a negative predictive value of 80%. In summary, the available evidence is currently insufficient to determine the role of this variant in disease. Therefore, it has been classified as a Variant of Uncertain Significance.